The following is an entry in ClinVar:

NM_012062.5(DNM1L):c.620-251T>C

Gene: DNM1L (dynamin 1 like; plus strand). Cytogenetic location: 12p11.21.
Variant type: single nucleotide variant.
Coding change: c.620-251T>C on transcript NM_012062.5 (MANE Select); 251 bases into the intron before coding-DNA position 620, T replaced by C.
Molecular consequence: intron variant.
Genome position (GRCh38, 1-based): chr12:32,718,392, T>C. VCF-style: chr12-32718392-T-C. GRCh37 (hg19) VCF-style: chr12-32871326-T-C.
Other names: c.659-251T>C (NM_001278464.2, NM_001278465.2, NM_001330380.2); c.132-2272T>C (NM_001278466.2); c.620-251T>C (NM_001278463.2, NM_012063.4, NM_005690.5).
Identifiers: ClinVar variation 678578 (VCV000678578.1), dbSNP rs10844313, ClinGen allele CA13753956.

ClinVar aggregate classification (germline): Benign (1 of 4 stars; one submission).

Allele frequency attached by ClinVar (database versions not stated): 1000 Genomes Project 0.13399; 1000 Genomes Project 30x 0.13476; gnomAD 0.14119 and 0.14394; TOPMed 0.14789.
gnomAD v4.1: 21,573 of 151,800 alleles (14%); highest among the groups gnomAD compares: Middle Eastern, 18%; 1,569 homozygotes.

Submission:

GeneDx
Classification: Benign. Last evaluated: 2018-06-14. Review status: criteria provided, single submitter. Criteria: GeneDx Variant Classification (06012015). Collection method: clinical testing. Allele origin: germline. Affected: yes.
Comment: This variant is considered likely benign or benign based on one or more of the following criteria: it is a conservative change, it occurs at a poorly conserved position in the protein, it is predicted to be benign by multiple in silico algorithms, and/or has population frequency not consistent with disease.